The following is an entry in ClinVar:

NM_020822.3(KCNT1):c.3517C>T (p.His1173Tyr)

Gene: KCNT1 (potassium sodium-activated channel subfamily T member 1; plus strand). Cytogenetic location: 9q34.3.
Variant type: single nucleotide variant.
Coding change: c.3517C>T on transcript NM_020822.3 (MANE Select); coding-DNA position 3517, C replaced by T.
Protein change: p.His1173Tyr; replaces histidine 1173 with tyrosine.
Molecular consequence: missense variant.
Genome position (GRCh38, 1-based): chr9:135,791,811, C>T. VCF-style: chr9-135791811-C-T. GRCh37 (hg19) VCF-style: chr9-138683657-C-T.
Other names: c.3445C>T, p.His1149Tyr (NM_001272003.2); short protein forms H1149Y, H1173Y.
Identifiers: ClinVar variation 1254606 (VCV001254606.5), dbSNP rs1450163574, ClinGen allele CA375493762.

ClinVar aggregate classification (germline): Uncertain significance. Review status: criteria provided, multiple submitters, no conflicts (2 of 4 stars). 2 submissions from 2 submitters: Uncertain significance (2). Last evaluated 2023-06-30.

Conditions:
Developmental and epileptic encephalopathy, 14 (DEE14). Also called: Early infantile epileptic encephalopathy 14. Identifiers: Orphanet 293181, MedGen C3554195, MONDO:0013989, OMIM 614959.
Autosomal dominant nocturnal frontal lobe epilepsy 5. Also called: KCNT1-Related Epilepsy; CILIARY DYSKINESIA, PRIMARY, 28, WITHOUT SITUS INVERSUS; CILIARY DYSKINESIA, PRIMARY, 28, WITH SITUS INVERSUS; Epilepsy, nocturnal frontal lobe, 5. Identifiers: Orphanet 98784, MedGen C3554306, MONDO:0014002, OMIM 615005.

Allele frequency attached by ClinVar (database versions not stated): gnomAD 0.00001; TOPMed 0.00001.
gnomAD v4.1: 16 of 1,613,710 alleles (0.00099%); highest among the groups gnomAD compares: Non-Finnish European, 0.0014%; no homozygotes.

Submissions (2):

Labcorp Genetics (formerly Invitae), Labcorp
Classification: Uncertain significance for Autosomal dominant nocturnal frontal lobe epilepsy 5; Developmental and epileptic encephalopathy, 14. Last evaluated: 2023-06-30. Review status: criteria provided, single submitter. Criteria: Invitae Variant Classification Sherloc (09022015). Collection method: clinical testing. Allele origin: germline.
Comment: ClinVar contains an entry for this variant (Variation ID: 1254606). In summary, the available evidence is currently insufficient to determine the role of this variant in disease. Therefore, it has been classified as a Variant of Uncertain Significance. Advanced modeling of protein sequence and biophysical properties (such as structural, functional, and spatial information, amino acid conservation, physicochemical variation, residue mobility, and thermodynamic stability) performed at Invitae indicates that this missense variant is not expected to disrupt KCNT1 protein function. This variant has not been reported in the literature in individuals affected with KCNT1-related conditions. This variant is not present in population databases (gnomAD no frequency). This sequence change replaces histidine, which is basic and polar, with tyrosine, which is neutral and polar, at codon 1173 of the KCNT1 protein (p.His1173Tyr).

GeneDx
Classification: Uncertain significance. Last evaluated: 2021-08-18. Review status: criteria provided, single submitter. Criteria: GeneDx Variant Classification Process June 2021. Collection method: clinical testing. Allele origin: germline. Affected: yes.
Comment: Not observed at significant frequency in large population cohorts (Lek et al., 2016); In silico analysis supports that this missense variant has a deleterious effect on protein structure/function; Has not been previously published as pathogenic or benign to our knowledge